The following is an entry in ClinVar:

NM_001042492.3(NF1):c.1175A>G (p.Gln392Arg)

Gene: NF1 (neurofibromin 1; plus strand). Cytogenetic location: 17q11.2.
Variant type: single nucleotide variant.
Coding change: c.1175A>G on transcript NM_001042492.3 (MANE Select); coding-DNA position 1175, A replaced by G.
Protein change: p.Gln392Arg; replaces glutamine 392 with arginine.
Molecular consequence: missense variant.
Genome position (GRCh38, 1-based): chr17:31,201,149, A>G. VCF-style: chr17-31201149-A-G. GRCh37 (hg19) VCF-style: chr17-29528167-A-G.
Other names: c.1175A>G, p.Gln392Arg (NM_000267.4, NM_001128147.3); short protein forms Q392R.
Identifiers: ClinVar variation 2911850 (VCV002911850.3), dbSNP rs2143880450, ClinGen allele CA398997290.
Genomic context (GRCh38, chr17:31,201,149, plus strand): 5'-ATGTGGATCTAATGATTGACTGCCTTGTTTCTTGCTTTCGTATAAGCCCTCACAACAACC[A>G]ACACTTTAAGGTGAGAGCATTGGTTTTTATCTAACTATATTTACTGATGCTGTTATCCTT-3'
Protein context (NP_001035957.1, residues 382-402): SCFRISPHNN[Gln392Arg]HFKICLAQNS

ClinVar aggregate classification (germline): Uncertain significance (1 of 4 stars; one submission).

Conditions:
Neurofibromatosis, type 1 (NF1). Also called: Neurofibromatosis, type I; NEUROFIBROMATOSIS, TYPE I, SOMATIC; Peripheral type neurofibromatosis; VON RECKLINGHAUSEN DISEASE. Identifiers: Orphanet 636, MedGen C0027831, MONDO:0018975, OMIM 162200. Disease mechanism: loss of function.

Submission:

Labcorp Genetics (formerly Invitae), Labcorp
Classification: Uncertain significance for Neurofibromatosis, type 1. Last evaluated: 2023-03-17. Review status: criteria provided, single submitter. Criteria: Invitae Variant Classification Sherloc (09022015). Collection method: clinical testing. Allele origin: germline.
Comment: This sequence change replaces glutamine, which is neutral and polar, with arginine, which is basic and polar, at codon 392 of the NF1 protein (p.Gln392Arg). This variant is not present in population databases (gnomAD no frequency). In summary, the available evidence is currently insufficient to determine the role of this variant in disease. Therefore, it has been classified as a Variant of Uncertain Significance. Advanced modeling of protein sequence and biophysical properties (such as structural, functional, and spatial information, amino acid conservation, physicochemical variation, residue mobility, and thermodynamic stability) has been performed at Invitae for this missense variant, however the output from this modeling did not meet the statistical confidence thresholds required to predict the impact of this variant on NF1 protein function. This variant has not been reported in the literature in individuals affected with NF1-related conditions.